The following is an entry in ClinVar:

NM_001379081.2(FREM1):c.-9C>G

Gene: FREM1 (FRAS1 related extracellular matrix 1; minus strand). Cytogenetic location: 9p22.3.
Variant type: single nucleotide variant.
Coding change: c.-9C>G on transcript NM_001379081.2 (MANE Select); 9 bases upstream of the start codon, C replaced by G.
Molecular consequence: 5 prime UTR variant. On other transcripts: non-coding transcript variant (4).
Genome position (GRCh38, 1-based): chr9:14,868,986, G>C on the plus strand (C>G on the coding strand, the complement: FREM1 is on the minus strand). VCF-style: chr9-14868986-G-C. GRCh37 (hg19) VCF-style: chr9-14868984-G-C.
Other names: c.-9C>G (NM_001370060.1, NM_001370063.1, NM_001370065.1 and 1 more transcripts).
Identifiers: ClinVar variation 366180 (VCV000366180.9), dbSNP rs76002580, ClinGen allele CA4991711.

ClinVar aggregate classification (germline): Benign. Review status: criteria provided, multiple submitters, no conflicts (2 of 4 stars). 4 submissions from 4 submitters: Benign (4). Last evaluated 2023-04-03.

Conditions:
Oculotrichoanal syndrome (MOTA). Also called: MARLES SYNDROME; Manitoba Oculotrichoanal (MOTA) Syndrome. Identifiers: Orphanet 2717, MedGen C1855425, MONDO:0009560, OMIM 248450.

Allele frequency attached by ClinVar (database versions not stated): gnomAD exomes 0.00469 and 0.01156; ExAC 0.02273; ESP Exome Variant Server 0.04581; gnomAD 0.04711 and 0.05065; 1000 Genomes Project 0.04972; TOPMed 0.05220; 1000 Genomes Project 30x 0.05247.
gnomAD v4.1: 13,948 of 1,540,550 alleles (0.91%); highest among the groups gnomAD compares: African/African-American, 16%; 1,022 homozygotes.

Submissions (4):

Mayo Clinic Laboratories, Mayo Clinic
Classification: Benign. Last evaluated: 2023-04-03. Review status: criteria provided, single submitter. Criteria: ACMG Guidelines, 2015. Collection method: clinical testing. Allele origin: germline. Observed: 4 variant alleles.

GeneDx
Classification: Benign. Last evaluated: 2019-06-19. Review status: criteria provided, single submitter. Criteria: GeneDx Variant Classification Process June 2021. Collection method: clinical testing. Allele origin: germline. Affected: yes.

Illumina Laboratory Services, Illumina
Classification: Benign for Oculotrichoanal syndrome. Last evaluated: 2018-01-13. Review status: criteria provided, single submitter. Criteria: ICSL Variant Classification Criteria 13 December 2019. Collection method: clinical testing. Allele origin: germline.
Comment: This variant was observed in the ICSL laboratory as part of a predisposition screen in an ostensibly healthy population. It had not been previously curated by ICSL or reported in the Human Gene Mutation Database (HGMD: prior to June 1st, 2018), and was therefore a candidate for classification through an automated scoring system. Utilizing variant allele frequency, disease prevalence and penetrance estimates, and inheritance mode, an automated score was calculated to assess if this variant is too frequent to cause the disease. Based on the score and internal cut-off values, a variant classified as benign is not then subjected to further curation. The score for this variant resulted in a classification of benign for this disease.

Breakthrough Genomics
Classification: Benign. Review status: criteria provided, single submitter. Criteria: ACMG Guidelines, 2015. Collection method: not provided. Allele origin: germline. Inheritance: Autosomal recessive inheritance. Affected: yes.